The following is an entry in ClinVar:

NM_001395002.1(MAP4K4):c.2454+2T>A

Gene: MAP4K4 (mitogen-activated protein kinase kinase kinase kinase 4; plus strand). Cytogenetic location: 2q11.2.
Variant type: single nucleotide variant.
Coding change: c.2454+2T>A on transcript NM_001395002.1 (MANE Select); the canonical splice donor site of the intron after coding-DNA position 2454, T replaced by A.
Molecular consequence: splice donor variant.
Genome position (GRCh38, 1-based): chr2:101,867,311, T>A. VCF-style: chr2-101867311-T-A. GRCh37 (hg19) VCF-style: chr2-102483773-T-A.
Other names: c.2454+2T>A (NM_001384506.1, NM_001384497.1); c.2223+2T>A (NM_001384486.1, NM_001384507.1, NM_001384481.1); c.2220+2T>A (NM_001384488.1, NM_001242559.2); c.2292+2T>A (NM_001384493.1, NM_001384485.1, NM_001384484.1); c.2289+2T>A (NM_001384476.1); c.2286+2T>A (NM_001384477.1, NM_001384508.1); c.2061+2T>A (NM_001384490.1, NM_001384496.1); c.2058+2T>A (NM_001384494.1, NM_001384483.1); and 19 more.
Identifiers: ClinVar variation 3343780 (VCV003343780.1).

ClinVar aggregate classification (germline): Uncertain significance (1 of 4 stars; one submission).

Submission:

GeneDx
Classification: Uncertain significance. Last evaluated: 2023-05-24. Review status: criteria provided, single submitter. Criteria: GeneDx Variant Classification Process June 2021. Collection method: clinical testing. Allele origin: germline. Affected: yes.
Comment: Not observed at significant frequency in large population cohorts (gnomAD); Canonical splice site variant in a gene for which loss-of-function is not an established mechanism of disease.; Has not been previously published as pathogenic or benign to our knowledge; Variants in candidate genes are classified as variants of uncertain significance in accordance with ACMG guidelines (Richards et al., 2015)